The following is an entry in ClinVar:

ClinVar aggregate classification (germline): Likely benign. Review status: criteria provided, single submitter (1 of 4 stars). 2 submissions from 2 submitters: Likely benign (1). 1 of the submissions does not count toward it. Last evaluated 2022-03-23.

Conditions:
MBTPS1-related disorder. Also called: MBTPS1-related condition.

Allele frequency attached by ClinVar (database versions not stated): ExAC 0.00002; gnomAD 0.00002.
gnomAD v4.1: 40 of 1,613,956 alleles (0.0025%); highest among the groups gnomAD compares: Non-Finnish European, 0.0032%; no homozygotes.

Submissions (2):

Labcorp Genetics (formerly Invitae), Labcorp
Classification: Likely benign. Last evaluated: 2022-03-23. Review status: criteria provided, single submitter. Criteria: Invitae Variant Classification Sherloc (09022015). Collection method: clinical testing. Allele origin: germline.

PreventionGenetics, part of Exact Sciences
Classification: Likely benign for MBTPS1-related condition. Last evaluated: 2019-08-13. Review status: no assertion criteria provided. Collection method: clinical testing. Allele origin: germline. Not counted in ClinVar's aggregate classification.
Comment: This variant is classified as likely benign based on ACMG/AMP sequence variant interpretation guidelines (Richards et al. 2015 PMID: 25741868, with internal and published modifications).

NM_003791.4(MBTPS1):c.1515C>A (p.Ile505=)

Gene: MBTPS1 (membrane bound transcription factor peptidase, site 1; minus strand). Cytogenetic location: 16q23.3.
Variant type: single nucleotide variant.
Coding change: c.1515C>A on transcript NM_003791.4 (MANE Select); coding-DNA position 1515, C replaced by A.
Protein change: p.Ile505=; no amino-acid change (isoleucine 505 retained).
Molecular consequence: synonymous variant.
Genome position (GRCh38, 1-based): chr16:84,074,675, G>T on the plus strand (C>A on the coding strand, the complement: MBTPS1 is on the minus strand). VCF-style: chr16-84074675-G-T. GRCh37 (hg19) VCF-style: chr16-84108280-G-T.
Other names: c.1515C>A (NM_003791.3).
Identifiers: ClinVar variation 2088253 (VCV002088253.6), dbSNP rs766675178, ClinGen allele CA8201278.